The following is an entry in ClinVar:

NM_001374623.1(PNPLA1):c.175G>A (p.Ala59Thr)

Gene: PNPLA1 (patatin like domain 1, omega-hydroxyceramide transacylase; plus strand). Cytogenetic location: 6p21.31.
Variant type: single nucleotide variant.
Coding change: c.175G>A on transcript NM_001374623.1 (MANE Select); coding-DNA position 175, G replaced by A.
Protein change: p.Ala59Thr; replaces alanine 59 with threonine.
Molecular consequence: missense variant. On other transcripts: intron variant (2).
Genome position (GRCh38, 1-based): chr6:36,270,634, G>A. VCF-style: chr6-36270634-G-A. GRCh37 (hg19) VCF-style: chr6-36238411-G-A.
Other names: p.A59T; c.175G>A, p.Ala59Thr (NM_001145717.1); c.-80-20686G>A (NM_001145716.2, NM_173676.2); short protein forms A59T.
Identifiers: ClinVar variation 2253984 (VCV002253984.2), dbSNP rs1473536756, ClinGen allele CA363805483.

ClinVar aggregate classification (germline): Uncertain significance. Review status: criteria provided, single submitter (1 of 4 stars). 2 submissions from 2 submitters: Uncertain significance (1). 1 of the submissions does not count toward it. Last evaluated 2021-10-06.

Conditions:
Autosomal recessive congenital ichthyosis 10 (ARCI10). Identifiers: Orphanet 79394, MedGen C3554355, MONDO:0014011, OMIM 615024.
Inborn genetic diseases. Identifiers: MedGen C0950123, MeSH D030342.

Allele frequency attached by ClinVar (database versions not stated): gnomAD exomes below 0.00001.
gnomAD v4.1: 7 of 1,551,234 alleles (0.00045%); highest among the groups gnomAD compares: South Asian, 0.0012%; no homozygotes.

Submissions (2):

Ambry Genetics
Classification: Uncertain significance for Inborn genetic diseases. Last evaluated: 2021-10-06. Review status: criteria provided, single submitter. Criteria: Ambry Variant Classification Scheme 2023. Collection method: clinical testing. Allele origin: germline.

Human Molecular Lab, Hazara University
Classification: Uncertain significance for Autosomal recessive congenital ichthyosis 10. Review status: no assertion criteria provided. Collection method: research. Allele origin: inherited. Inheritance: Autosomal recessive inheritance. Affected: yes. Observed: 1 variant allele, 1 homozygote. Not counted in ClinVar's aggregate classification.
Comment: The variant c.G175A:p.A59T of the PNPLA1 gene causes a Congenital ichthyosiform erythroderma (CIE), which has previously been reported in families with an autosomal recessive mode of inheritance. In those families, the variant segregated with the disease, including both affected and unaffected members. variant is reported in Clinvar, but no published data is available.